The following is an entry in ClinVar:

NM_000256.3(MYBPC3):c.538G>A (p.Gly180Ser)

Gene: MYBPC3 (myosin binding protein C3; minus strand). Cytogenetic location: 11p11.2.
Variant type: single nucleotide variant.
Coding change: c.538G>A on transcript NM_000256.3 (MANE Select); coding-DNA position 538, G replaced by A.
Protein change: p.Gly180Ser; replaces glycine 180 with serine.
Molecular consequence: missense variant.
Genome position (GRCh38, 1-based): chr11:47,349,890, C>T on the plus strand (G>A on the coding strand, the complement: MYBPC3 is on the minus strand). VCF-style: chr11-47349890-C-T. GRCh37 (hg19) VCF-style: chr11-47371441-C-T.
Other names: short protein forms G180S.
Identifiers: ClinVar variation 3387145 (VCV003387145.4).

ClinVar aggregate classification (germline): Uncertain significance. Review status: criteria provided, multiple submitters, no conflicts (2 of 4 stars). 3 submissions from 3 submitters: Uncertain significance (3). Last evaluated 2025-05-20.

Conditions:
Cardiomyopathy (CMYO). Also called: Cardiomyopathies. Identifiers: Orphanet 167848, MedGen C0878544, MONDO:0004994, HP:0001638. Inheritance: Various modes of inheritance.
Hypertrophic cardiomyopathy. Also called: HYPERTROPHIC MYOCARDIOPATHY. Identifiers: Orphanet 217569, MedGen C0007194, MeSH D002312, MONDO:0005045, HP:0001639.

gnomAD v4.1: 9 of 1,610,144 alleles (0.00056%); highest among the groups gnomAD compares: East Asian, 0.0022%; no homozygotes.

Submissions (3):

Color Diagnostics, LLC DBA Color Health
Classification: Uncertain significance for Cardiomyopathy. Last evaluated: 2025-05-20. Review status: criteria provided, single submitter. Criteria: ACMG Guidelines, 2015. Collection method: clinical testing. Allele origin: germline.
Comment: This missense variant replaces glycine with serine at codon 180 of the MYBPC3 protein. Computational prediction tool is inconclusive regarding the impact of this variant on protein structure and function. To our knowledge, functional studies have not been reported for this variant. This variant has been reported in an individual affected with hypertrophic cardioomyopathy (PMID: 38002985). This variant has not been identified in the general population by the Genome Aggregation Database (gnomAD). The available evidence is insufficient to determine the role of this variant in disease conclusively. Therefore, this variant is classified as a Variant of Uncertain Significance.

Labcorp Genetics (formerly Invitae), Labcorp
Classification: Uncertain significance for Hypertrophic cardiomyopathy. Last evaluated: 2024-11-13. Review status: criteria provided, single submitter. Criteria: Invitae Variant Classification Sherloc (09022015). Collection method: clinical testing. Allele origin: germline.
Comment: This sequence change replaces glycine, which is neutral and non-polar, with serine, which is neutral and polar, at codon 180 of the MYBPC3 protein (p.Gly180Ser). The frequency data for this variant in the population databases is considered unreliable, as metrics indicate poor data quality at this position in the gnomAD database. This variant has not been reported in the literature in individuals affected with MYBPC3-related conditions. An algorithm developed to predict the effect of missense changes on protein structure and function (PolyPhen-2) suggests that this variant is likely to be disruptive. In summary, the available evidence is currently insufficient to determine the role of this variant in disease. Therefore, it has been classified as a Variant of Uncertain Significance.

All of Us Research Program, National Institutes of Health
Classification: Uncertain significance for Hypertrophic cardiomyopathy. Last evaluated: 2024-09-23. Review status: criteria provided, single submitter. Criteria: ACMG Guidelines, 2015. Collection method: clinical testing. Allele origin: germline. Inheritance: Autosomal dominant inheritance. Observed: 1 variant allele, 1 heterozygote.
Comment: This study involves interpretation of variants in research participants for the purpose of population health screening. Participant phenotype was not available at the time of variant classification. Additional details can be found in publication PMID: 35346344, PMCID: PMC8962531

Literature cited by the submitters: PubMed 38002985 (cited by Color Diagnostics, LLC DBA Color Health).